The following is an entry in ClinVar:

ClinVar aggregate classification (germline): Uncertain significance (1 of 4 stars; one submission).

Conditions:
Singleton-Merten syndrome 1 (SGMRT1). Also called: Widened medullary cavities of bone, aortic calcification, abnormal dentition, and muscular weakness; Syndrome of widened medullary cavities of the metacarpals and phalanges, aortic calcification and abnormal dentition. Identifiers: Orphanet 85191, MedGen C4225427, MONDO:0024535, OMIM 182250.
Aicardi-Goutieres syndrome 7 (AGS7). Identifiers: Orphanet 51, MedGen C3888244, MONDO:0014367, OMIM 615846.

Allele frequency attached by ClinVar (database versions not stated): gnomAD exomes below 0.00001; TOPMed below 0.00001.
gnomAD v4.1: 5 of 1,608,412 alleles (0.00031%); highest among the groups gnomAD compares: Admixed American, 0.0034%; no homozygotes.

Submission:

Labcorp Genetics (formerly Invitae), Labcorp
Classification: Uncertain significance for Aicardi-Goutieres syndrome 7; Singleton-Merten syndrome 1. Last evaluated: 2021-09-01. Review status: criteria provided, single submitter. Criteria: Invitae Variant Classification Sherloc (09022015). Collection method: clinical testing. Allele origin: germline.
Comment: This sequence change replaces methionine with threonine at codon 677 of the IFIH1 protein (p.Met677Thr). The methionine residue is weakly conserved and there is a moderate physicochemical difference between methionine and threonine. This variant is not present in population databases (ExAC no frequency). This variant has not been reported in the literature in individuals affected with IFIH1-related conditions. Algorithms developed to predict the effect of missense changes on protein structure and function (SIFT, PolyPhen-2, Align-GVGD) all suggest that this variant is likely to be tolerated. In summary, the available evidence is currently insufficient to determine the role of this variant in disease. Therefore, it has been classified as a Variant of Uncertain Significance.

NM_022168.4(IFIH1):c.2030T>C (p.Met677Thr)

Gene: IFIH1 (interferon induced with helicase C domain 1; minus strand). Cytogenetic location: 2q24.2.
Variant type: single nucleotide variant.
Coding change: c.2030T>C on transcript NM_022168.4 (MANE Select); coding-DNA position 2030, T replaced by C.
Protein change: p.Met677Thr; replaces methionine 677 with threonine.
Molecular consequence: missense variant.
Genome position (GRCh38, 1-based): chr2:162,277,429, A>G on the plus strand (T>C on the coding strand, the complement: IFIH1 is on the minus strand). VCF-style: chr2-162277429-A-G. GRCh37 (hg19) VCF-style: chr2-163133939-A-G.
Other names: short protein forms M677T.
Identifiers: ClinVar variation 1034983 (VCV001034983.2), dbSNP rs1268091953, ClinGen allele CA348998302.
Genomic context (GRCh38, chr2:162,277,429, plus strand): 5'-GAAAAGGTAAATGAATGACACCAGTATATGTTACTTTGAATCTTACCAAAAAATAAAGTC[A>G]TGAGAAATCTATCTGTTTCATCCAGTTTCAAAGGTTTCTTTAAATCATCCTCATCTTCAT-3'
Protein context (NP_071451.2, residues 667-687): LKLDETDRFL[Met677Thr]TLFFENNKML